The following is an entry in ClinVar:

ClinVar aggregate classification (germline): Conflicting classifications of pathogenicity. Review status: criteria provided, conflicting classifications (1 of 4 stars). 2 submissions from 2 submitters: Uncertain significance (1); Likely benign (1). Last evaluated 2021-12-31.

Conditions:
Left ventricular noncompaction 8 (LVNC8). Identifiers: Orphanet 154, Orphanet 54260, MedGen C3809288, MONDO:0014152, OMIM 615373.

Allele frequency attached by ClinVar (database versions not stated): TOPMed below 0.00001; gnomAD exomes 0.00004 and 0.00005; ExAC 0.00008.
gnomAD v4.1: 59 of 1,612,192 alleles (0.0037%); highest among the groups gnomAD compares: South Asian, 0.063%; 2 homozygotes.

Submissions (2):

Blueprint Genetics
Classification: Likely benign. Last evaluated: 2021-12-31. Review status: criteria provided, single submitter. Criteria: ACMG Guidelines, 2015. Collection method: clinical testing. Allele origin: germline.

Labcorp Genetics (formerly Invitae), Labcorp
Classification: Uncertain significance for Left ventricular noncompaction 8. Last evaluated: 2020-03-09. Review status: criteria provided, single submitter. Criteria: Invitae Variant Classification Sherloc (09022015). Collection method: clinical testing. Allele origin: germline.
Comment: This sequence change replaces proline with serine at codon 519 of the PRDM16 protein (p.Pro519Ser). The proline residue is highly conserved and there is a moderate physicochemical difference between proline and serine. In summary, the available evidence is currently insufficient to determine the role of this variant in disease. Therefore, it has been classified as a Variant of Uncertain Significance. Algorithms developed to predict the effect of missense changes on protein structure and function are either unavailable or do not agree on the potential impact of this missense change (SIFT: "Deleterious"; PolyPhen-2: "Possibly Damaging"; Align-GVGD: "Class C0"). This variant has not been reported in the literature in individuals with PRDM16-related conditions. This variant is present in population databases (rs758737732, ExAC 0.06%).

NM_022114.4(PRDM16):c.1555C>T (p.Pro519Ser)

Gene: PRDM16 (PR/SET domain 16; plus strand). Cytogenetic location: 1p36.32.
Variant type: single nucleotide variant.
Coding change: c.1555C>T on transcript NM_022114.4 (MANE Select); coding-DNA position 1555, C replaced by T.
Protein change: p.Pro519Ser; replaces proline 519 with serine.
Molecular consequence: missense variant.
Genome position (GRCh38, 1-based): chr1:3,411,752, C>T. VCF-style: chr1-3411752-C-T. GRCh37 (hg19) VCF-style: chr1-3328316-C-T.
Other names: c.1555C>T, p.Pro519Ser (NM_199454.3); short protein forms P519S.
Identifiers: ClinVar variation 1040917 (VCV001040917.9), dbSNP rs758737732, ClinGen allele CA544224.